The following is an entry in ClinVar:

ClinVar aggregate classification (germline): Uncertain significance (1 of 4 stars; one submission).

gnomAD v4.1: 36 of 1,613,984 alleles (0.0022%); highest among the groups gnomAD compares: Non-Finnish European, 0.003%; no homozygotes.

Submission:

Labcorp Genetics (formerly Invitae), Labcorp
Classification: Uncertain significance. Last evaluated: 2025-04-14. Review status: criteria provided, single submitter. Criteria: Invitae Variant Classification Sherloc (09022015). Collection method: clinical testing. Allele origin: germline.
Comment: This sequence change replaces isoleucine, which is neutral and non-polar, with methionine, which is neutral and non-polar, at codon 455 of the TSPEAR protein (p.Ile455Met). This variant is present in population databases (rs782008612, gnomAD 0.002%). This missense change has been observed in individual(s) with clinical features of ectodermal dysplasia (internal data). In at least one individual the data is consistent with being in trans (on the opposite chromosome) from a pathogenic variant. Invitae Evidence Modeling of protein sequence and biophysical properties (such as structural, functional, and spatial information, amino acid conservation, physicochemical variation, residue mobility, and thermodynamic stability) has been performed for this missense variant. However, the output from this modeling did not meet the statistical confidence thresholds required to predict the impact of this variant on TSPEAR protein function. In summary, the available evidence is currently insufficient to determine the role of this variant in disease. Therefore, it has been classified as a Variant of Uncertain Significance.

NM_144991.3(TSPEAR):c.1365C>G (p.Ile455Met)

Gene: TSPEAR (thrombospondin type laminin G domain and EAR repeats; minus strand). Cytogenetic location: 21q22.3.
Variant type: single nucleotide variant.
Coding change: c.1365C>G on transcript NM_144991.3 (MANE Select); coding-DNA position 1365, C replaced by G.
Protein change: p.Ile455Met; replaces isoleucine 455 with methionine.
Molecular consequence: missense variant.
Genome position (GRCh38, 1-based): chr21:44,522,084, G>C on the plus strand (C>G on the coding strand, the complement: TSPEAR is on the minus strand). VCF-style: chr21-44522084-G-C. GRCh37 (hg19) VCF-style: chr21-45941967-G-C.
Other names: c.1161C>G, p.Ile387Met (NM_001272037.2); short protein forms I387M, I455M.
Identifiers: ClinVar variation 4801050 (VCV004801050.1).
Genomic context (GRCh38, chr21:44,522,084, plus strand): 5'-GCCGGAGGTGGCGATGGTCTGGTTGGCCTCGAAGAGCCGGGTTGCCGGGTTCCACTTGTA[G>C]ATGACACTGTCGATGTTGTGGTTGTCGCCTGGAACCAAGGGACTGTGCTGGGGGCAGGGA-3'
Protein context (NP_659428.2, residues 445-465): EGDNHNIDSV[Ile455Met]YKWNPATRLF